The following is an entry in ClinVar:

NM_000074.3(CD40LG):c.770G>A (p.Gly257Asp)

Gene: CD40LG (CD40 ligand; plus strand). Cytogenetic location: Xq26.3.
Variant type: single nucleotide variant.
Coding change: c.770G>A on transcript NM_000074.3 (MANE Select); coding-DNA position 770, G replaced by A.
Protein change: p.Gly257Asp; replaces glycine 257 with aspartic acid.
Molecular consequence: missense variant.
Genome position (GRCh38, 1-based): chrX:136,659,399, G>A. VCF-style: chrX-136659399-G-A. GRCh37 (hg19) VCF-style: chrX-135741558-G-A.
Other names: short protein forms G257D.
Identifiers: ClinVar variation 963550 (VCV000963550.10), dbSNP rs1477466218, ClinGen allele CA414757157.

ClinVar aggregate classification (germline): Pathogenic (1 of 4 stars; one submission).

Conditions:
Hyper-IgM syndrome type 1. Also called: CD40 Ligand Deficiency; X-linked hyper-IgM syndrome; Immunodeficiency, X-linked, with hyper-IgM; Hyper-IgM Immunodeficiency Syndrome, Type 1. Identifiers: Orphanet 101088, MedGen C0398689, MONDO:0010626, OMIM 308230.

Allele frequency attached by ClinVar (database versions not stated): gnomAD exomes below 0.00001 and 0.00001.
gnomAD v4.1: 1 of 1,210,458 alleles (0.000083%); highest among the groups gnomAD compares: Non-Finnish European, 0.00011%; no homozygotes.

Submission:

Labcorp Genetics (formerly Invitae), Labcorp
Classification: Pathogenic for Hyper-IgM syndrome type 1. Last evaluated: 2024-11-04. Review status: criteria provided, single submitter. Criteria: Invitae Variant Classification Sherloc (09022015). Collection method: clinical testing. Allele origin: germline.
Comment: This sequence change replaces glycine, which is neutral and non-polar, with aspartic acid, which is acidic and polar, at codon 257 of the CD40LG protein (p.Gly257Asp). This variant is present in population databases (no rsID available, gnomAD 0.001%). This missense change has been observed in individual(s) with hyper-IgM syndrome (PMID: 10366125). ClinVar contains an entry for this variant (Variation ID: 963550). Invitae Evidence Modeling of protein sequence and biophysical properties (such as structural, functional, and spatial information, amino acid conservation, physicochemical variation, residue mobility, and thermodynamic stability) indicates that this missense variant is expected to disrupt CD40LG protein function with a positive predictive value of 80%. This variant disrupts the p.Gly257 amino acid residue in CD40LG. Other variant(s) that disrupt this residue have been observed in individuals with CD40LG-related conditions (PMID: 8889581, 20981468), which suggests that this may be a clinically significant amino acid residue. For these reasons, this variant has been classified as Pathogenic.

Literature cited by the submitters: PubMed 10366125; PubMed 8889581; PubMed 20981468.